The following is an entry in ClinVar:

NM_001287.6(CLCN7):c.1922G>T (p.Arg641Leu)

Gene: CLCN7 (Cl-/H+ antiporter 7; minus strand). Cytogenetic location: 16p13.3.
Variant type: single nucleotide variant.
Coding change: c.1922G>T on transcript NM_001287.6 (MANE Select); coding-DNA position 1922, G replaced by T.
Protein change: p.Arg641Leu; replaces arginine 641 with leucine.
Molecular consequence: missense variant.
Genome position (GRCh38, 1-based): chr16:1,448,446, C>A on the plus strand (G>T on the coding strand, the complement: CLCN7 is on the minus strand). VCF-style: chr16-1448446-C-A. GRCh37 (hg19) VCF-style: chr16-1498447-C-A.
Other names: c.1850G>T, p.Arg617Leu (NM_001114331.3); short protein forms R617L, R641L.
Identifiers: ClinVar variation 4805114 (VCV004805114.1).

ClinVar aggregate classification (germline): Uncertain significance (1 of 4 stars; one submission).

Submission:

Labcorp Genetics (formerly Invitae), Labcorp
Classification: Uncertain significance. Last evaluated: 2025-11-11. Review status: criteria provided, single submitter. Criteria: Invitae Variant Classification Sherloc (09022015). Collection method: clinical testing. Allele origin: germline.
Comment: This sequence change replaces arginine, which is basic and polar, with leucine, which is neutral and non-polar, at codon 641 of the CLCN7 protein (p.Arg641Leu). This variant is not present in population databases (gnomAD no frequency). This variant has not been reported in the literature in individuals affected with CLCN7-related conditions. An algorithm developed to predict the effect of missense changes on protein structure and function (PolyPhen-2) suggests that this variant is likely to be tolerated. In summary, the available evidence is currently insufficient to determine the role of this variant in disease. Therefore, it has been classified as a Variant of Uncertain Significance.